The following is an entry in ClinVar:

NM_000701.8(ATP1A1):c.2487T>C (p.Ser829=)

Genes: ATP1A1 (ATPase Na+/K+ transporting subunit alpha 1; plus strand), ATP1A1-AS1 (ATP1A1 antisense RNA 1; minus strand). Cytogenetic location: 1p13.1.
Variant type: single nucleotide variant.
Coding change: c.2487T>C on transcript NM_000701.8 (MANE Select); coding-DNA position 2487, T replaced by C.
Protein change: p.Ser829=; no amino-acid change (serine 829 retained).
Molecular consequence: synonymous variant.
Genome position (GRCh38, 1-based): chr1:116,399,458, T>C. VCF-style: chr1-116399458-T-C. GRCh37 (hg19) VCF-style: chr1-116942080-T-C.
Other names: c.2487T>C, p.Ser829= (NM_001160233.2); c.2394T>C, p.Ser798= (NM_001160234.2).
Identifiers: ClinVar variation 2639021 (VCV002639021.27), dbSNP rs766077481, ClinGen allele CA1025562.

ClinVar aggregate classification (germline): Likely benign. Review status: criteria provided, multiple submitters, no conflicts (2 of 4 stars). 2 submissions from 2 submitters: Likely benign (2). Last evaluated 2023-10-23.

Allele frequency attached by ClinVar (database versions not stated): ExAC 0.00001; gnomAD exomes 0.00001.
gnomAD v4.1: 12 of 1,613,920 alleles (0.00074%); highest among the groups gnomAD compares: Non-Finnish European, 0.00085%; no homozygotes.

Submissions (2):

Labcorp Genetics (formerly Invitae), Labcorp
Classification: Likely benign. Last evaluated: 2023-10-23. Review status: criteria provided, single submitter. Criteria: Invitae Variant Classification Sherloc (09022015). Collection method: clinical testing. Allele origin: germline.

CeGaT Center for Human Genetics Tuebingen
Classification: Likely benign. Last evaluated: 2023-10-01. Review status: criteria provided, single submitter. Criteria: CeGaT Center For Human Genetics Tuebingen Variant Classification Criteria Version 2. Collection method: clinical testing. Allele origin: germline. Affected: yes. Observed: 2 variant alleles.
Comment: ATP1A1: BP4, BP7